The following is an entry in ClinVar:

NM_080680.3(COL11A2):c.1446G>C (p.Arg482Ser)

Gene: COL11A2 (collagen type XI alpha 2 chain; minus strand). Cytogenetic location: 6p21.32.
Variant type: single nucleotide variant.
Coding change: c.1446G>C on transcript NM_080680.3 (MANE Select); coding-DNA position 1446, G replaced by C.
Protein change: p.Arg482Ser; replaces arginine 482 with serine.
Molecular consequence: missense variant.
Genome position (GRCh38, 1-based): chr6:33,179,719, C>G on the plus strand (G>C on the coding strand, the complement: COL11A2 is on the minus strand). VCF-style: chr6-33179719-C-G. GRCh37 (hg19) VCF-style: chr6-33147496-C-G.
Other names: c.1266G>C, p.Arg422Ser (NM_001424108.1); c.600G>C, p.Arg200Ser (NM_001424109.1); c.420G>C, p.Arg140Ser (NM_001424110.1, NM_001424111.1); c.1125G>C, p.Arg375Ser (NM_080679.3); c.1188G>C, p.Arg396Ser (NM_080681.3); short protein forms R375S, R200S, R396S, R422S, R482S, R140S.
Identifiers: ClinVar variation 4718746 (VCV004718746.1).

ClinVar aggregate classification (germline): Uncertain significance (1 of 4 stars; one submission).

gnomAD v4.1: 3 of 1,611,948 alleles (0.00019%); highest among the groups gnomAD compares: African/African-American, 0.0013%; no homozygotes.

Submission:

Labcorp Genetics (formerly Invitae), Labcorp
Classification: Uncertain significance. Last evaluated: 2025-04-30. Review status: criteria provided, single submitter. Criteria: Invitae Variant Classification Sherloc (09022015). Collection method: clinical testing. Allele origin: germline.
Comment: This sequence change replaces arginine, which is basic and polar, with serine, which is neutral and polar, at codon 482 of the COL11A2 protein (p.Arg482Ser). This variant also falls at the last nucleotide of exon 13, which is part of the consensus splice site for this exon. This variant is present in population databases (no rsID available, gnomAD 0.0009%). This variant has not been reported in the literature in individuals affected with COL11A2-related conditions. An algorithm developed to predict the effect of missense changes on protein structure and function (PolyPhen-2) suggests that this variant is likely to be disruptive. Variants that disrupt the consensus splice site are a relatively common cause of aberrant splicing (PMID: 17576681, 9536098). Algorithms developed to predict the effect of sequence changes on RNA splicing suggest that this variant may disrupt the consensus splice site. In summary, the available evidence is currently insufficient to determine the role of this variant in disease. Therefore, it has been classified as a Variant of Uncertain Significance.

Literature cited by the submitters: PubMed 17576681; PubMed 9536098.